The following is an entry in ClinVar:

ClinVar aggregate classification (germline): Likely benign. Review status: criteria provided, multiple submitters, no conflicts (2 of 4 stars). 4 submissions from 4 submitters: Likely benign (4). Last evaluated 2025-06-10.

Conditions:
Hereditary cancer-predisposing syndrome. Also called: Neoplastic Syndromes, Hereditary; Tumor predisposition; Hereditary Cancer Syndrome; Hereditary neoplastic syndrome. Identifiers: Orphanet 140162, MedGen C0027672, MeSH D009386, MONDO:0015356.
Hereditary breast ovarian cancer syndrome. Also called: Hereditary breast and ovarian cancer syndrome; Hereditary breast and ovarian cancer; Hereditary breast and ovarian cancer syndrome (HBOC); Breast and ovarian cancer; Hereditary breast and/or ovarian cancer syndrome; BRCA1- and BRCA2-Associated Hereditary Breast and Ovarian Cancer. Identifiers: Orphanet 145, MedGen C0677776, MeSH D061325, MONDO:0003582. Disease mechanism: loss of function.
BRCA2-related cancer predisposition. Identifiers: MedGen CN377758, MONDO:0700269.

gnomAD v4.1: 4 of 1,612,704 alleles (0.00025%); highest among the groups gnomAD compares: Non-Finnish European, 0.00034%; no homozygotes.

Submissions (4):

Labcorp Genetics (formerly Invitae), Labcorp
Classification: Likely benign for Hereditary breast ovarian cancer syndrome. Last evaluated: 2025-06-10. Review status: criteria provided, single submitter. Criteria: Invitae Variant Classification Sherloc (09022015). Collection method: clinical testing. Allele origin: germline.

All of Us Research Program, National Institutes of Health
Classification: Likely benign for BRCA2-related cancer predisposition. Last evaluated: 2024-08-06. Review status: criteria provided, single submitter. Criteria: ACMG Guidelines, 2015. Collection method: clinical testing. Allele origin: germline. Inheritance: Autosomal dominant inheritance. Observed: 2 variant alleles, 2 heterozygotes.
Comment: This study involves interpretation of variants in research participants for the purpose of population health screening. Participant phenotype was not available at the time of variant classification. Additional details can be found in publication PMID: 35346344, PMCID: PMC8962531

Color Diagnostics, LLC DBA Color Health
Classification: Likely benign for Hereditary cancer-predisposing syndrome. Last evaluated: 2022-01-20. Review status: criteria provided, single submitter. Criteria: ACMG Guidelines, 2015. Collection method: clinical testing. Allele origin: germline.

Ambry Genetics
Classification: Likely benign for Hereditary cancer-predisposing syndrome. Last evaluated: 2016-04-29. Review status: criteria provided, single submitter. Criteria: Ambry Variant Classification Scheme 2023. Collection method: clinical testing. Allele origin: germline.

NM_000059.4(BRCA2):c.8979A>G (p.Ser2993=)

Gene: BRCA2 (BRCA2 DNA repair associated; plus strand). Cytogenetic location: 13q13.1.
Variant type: single nucleotide variant.
Coding change: c.8979A>G on transcript NM_000059.4 (MANE Select); coding-DNA position 8979, A replaced by G.
Protein change: p.Ser2993=; no amino-acid change (serine 2993 retained).
Molecular consequence: synonymous variant.
Genome position (GRCh38, 1-based): chr13:32,379,775, A>G. VCF-style: chr13-32379775-A-G. GRCh37 (hg19) VCF-style: chr13-32953912-A-G.
Identifiers: ClinVar variation 481536 (VCV000481536.18), dbSNP rs781452016, ClinGen allele CA247493795.
Genomic context (GRCh38, chr13:32,379,775, plus strand): 5'-CTTCCATTGCATCTTTCTCATCTTTCTCCAAACAGTTATACTGAGTATTTGGCGTCCATC[A>G]TCAGATTTATATTCTCTGTTAACAGAAGGAAAGAGATACAGAATTTATCATCTTGCAACT-3'
Protein context (NP_000050.3, residues 2983-3003): DSVILSIWRP[Ser2993=]SDLYSLLTEG